The following is an entry in ClinVar:

NM_000368.5(TSC1):c.738-2A>T

Gene: TSC1 (TSC complex subunit 1; minus strand). Cytogenetic location: 9q34.13.
Variant type: single nucleotide variant.
Coding change: c.738-2A>T on transcript NM_000368.5 (MANE Select); the canonical splice acceptor site of the intron before coding-DNA position 738, A replaced by T.
Molecular consequence: splice acceptor variant.
Genome position (GRCh38, 1-based): chr9:132,912,459, T>A on the plus strand (A>T on the coding strand, the complement: TSC1 is on the minus strand). VCF-style: chr9-132912459-T-A. GRCh37 (hg19) VCF-style: chr9-135787846-T-A.
Other names: c.375-2A>T (NM_001406620.1, NM_001406618.1, NM_001406625.1 and 10 more transcripts); c.585-2A>T (NM_001406613.1, NM_001406612.1, NM_001406610.1 and 2 more transcripts); c.-214-2A>T (NM_001406627.1, NM_001406628.1, NM_001406626.1); c.-356-2A>T (NM_001406629.1, NM_001406630.1); c.738-2A>T (NM_001406603.1, NM_001406609.1, NM_001406597.1 and 16 more transcripts).
Identifiers: ClinVar variation 280757 (VCV000280757.17), dbSNP rs118203440, ClinGen allele CA10603111.

ClinVar aggregate classification (germline): Pathogenic. Review status: criteria provided, multiple submitters, no conflicts (2 of 4 stars). 4 submissions from 4 submitters: Pathogenic (4). Last evaluated 2023-06-09.

Conditions:
Tuberous sclerosis 1 (TSC1). Identifiers: Orphanet 805, MedGen C1854465, MONDO:0008612, OMIM 191100.

Submissions (4):

3billion
Classification: Pathogenic for Tuberous sclerosis 1. Last evaluated: 2023-06-09. Review status: criteria provided, single submitter. Criteria: ACMG Guidelines, 2015. Collection method: clinical testing. Allele origin: germline. Affected: yes.
Comment: The variant is not observed in the gnomAD v2.1.1 dataset. Predicted Consequence/Location: Canonical splice site: predicted to alter splicing and result in a loss or disruption of normal protein function. Multiple pathogenic loss-of-function variants are reported downstream of the variant. The variant has been reported at least twice as pathogenic with clinical assertions and evidence for the classification (ClinVar ID: VCV000280757). Therefore, this variant is classified as Pathogenic according to the recommendation of ACMG/AMP guideline.

Genome-Nilou Lab
Classification: Pathogenic for Tuberous sclerosis 1. Last evaluated: 2021-11-07. Review status: criteria provided, single submitter. Criteria: ACMG Guidelines, 2015. Collection method: clinical testing. Allele origin: germline. Affected: no.

GeneDx
Classification: Pathogenic. Last evaluated: 2020-03-26. Review status: criteria provided, single submitter. Criteria: GeneDx Variant Classification Process June 2021. Collection method: clinical testing. Allele origin: germline. Affected: yes.
Comment: Canonical splice site variant predicted to result in a null allele in a gene for which loss-of-function is a known mechanism of disease; Has not been previously published as pathogenic or benign to our knowledge; Not observed in large population cohorts (Lek et al., 2016)

Labcorp Genetics (formerly Invitae), Labcorp
Classification: Pathogenic for Tuberous sclerosis 1. Last evaluated: 2019-07-08. Review status: criteria provided, single submitter. Criteria: Invitae Variant Classification Sherloc (09022015). Collection method: clinical testing. Allele origin: germline.
Comment: For these reasons, this variant has been classified as Pathogenic. Donor and acceptor splice site variants typically lead to a loss of protein function (PMID: 16199547), and loss-of-function variants in TSC1 are known to be pathogenic (PMID: 10227394, 17304050). Algorithms developed to predict the effect of sequence changes on RNA splicing suggest that this variant may disrupt the consensus splice site, but this prediction has not been confirmed by published transcriptional studies. Disruption of this splice site has been observed in individuals affected with tuberous sclerosis complex (PMID: 19419980, 29432982). ClinVar contains an entry for this variant (Variation ID: 280757). This variant is not present in population databases (ExAC no frequency). This sequence change affects an acceptor splice site in intron 8 of the TSC1 gene. It is expected to disrupt RNA splicing and likely results in an absent or disrupted protein product.

Literature cited by the submitters: PubMed 16199547 (cited by Labcorp Genetics (formerly Invitae), Labcorp); PubMed 10227394 (cited by Labcorp Genetics (formerly Invitae), Labcorp); PubMed 17304050 (cited by Labcorp Genetics (formerly Invitae), Labcorp); PubMed 19419980 (cited by Labcorp Genetics (formerly Invitae), Labcorp); PubMed 29432982 (cited by Labcorp Genetics (formerly Invitae), Labcorp).